The following is an entry in ClinVar:

NM_007194.4(CHEK2):c.762dup (p.Lys255fs)

Gene: CHEK2 (checkpoint kinase 2; minus strand). Cytogenetic location: 22q12.1.
Variant type: Duplication.
Coding change: c.762dup on transcript NM_007194.4 (MANE Select); coding-DNA position 762, one base duplicated (G; older notation c.762dupG).
Protein change: p.Lys255fs; shifts the reading frame from lysine 255.
Molecular consequence: frameshift variant.
Genome position (GRCh38, 1-based): chr22:28,711,939, C duplicated on the plus strand (G on the coding strand, the reverse complement: CHEK2 is on the minus strand); the first of 2 consecutive C bases (chr22:28,711,939-28,711,940); duplicating either gives the same sequence. VCF-style (leftmost placement, unchanged base first): chr22-28711938-T-TC. GRCh37 (hg19) VCF-style: chr22-29107926-T-TC.
Other names: c.762dupG (NM_007194.3); c.890dup, p.Lys298Glufs (NM_001005735.3); c.98dup, p.Lys34Glufs (NM_001257387.3); c.560dup, p.Lys188Glufs (NM_001349956.3); c.761dup, p.Lys255Glufs (NM_145862.3); short protein forms K255fs, K188fs, K298fs, K34fs.
Identifiers: ClinVar variation 428911 (VCV000428911.5), dbSNP rs1131691044, ClinGen allele CA645369745.
Genomic context (GRCh38, chr22:28,711,938, plus strand): 5'-AAAAGGTGATCAGCCTTTTATTGGTACTTACTGCCTCTCTTGCTGAACCAATAGCAAACT[T>TC]CCTTTTGCTGATGATCTTTATGGCTACTTTCTTACATGTTTTCCTCTCGAAAGCCAGCTT-3'

ClinVar aggregate classification (germline): Pathogenic (1 of 4 stars; one submission).

Conditions:
Hereditary cancer-predisposing syndrome. Also called: Hereditary Cancer Syndrome; Neoplastic Syndromes, Hereditary; Hereditary neoplastic syndrome; Tumor predisposition. Identifiers: Orphanet 140162, MedGen C0027672, MeSH D009386, MONDO:0015356.

Submission:

Ambry Genetics
Classification: Pathogenic for Hereditary cancer-predisposing syndrome. Last evaluated: 2016-04-12. Review status: criteria provided, single submitter. Criteria: Ambry Variant Classification Scheme 2023. Collection method: clinical testing. Allele origin: germline.
Comment: The c.762dupG pathogenic mutation, located in coding exon 5 of the CHEK2 gene, results from a duplication of G at nucleotide position 762, causing a translational frameshift with a predicted alternate stop codon. Since frameshifts are typically deleterious in nature, this alteration is interpreted as a disease-causing mutation (ACMG Recommendations for Standards for Interpretation and Reporting of Sequence Variations. Revision 2007. Genet Med. 2008;10:294).